The following is an entry in ClinVar:

ClinVar aggregate classification (germline): Uncertain significance (1 of 4 stars; one submission).

gnomAD v4.1: 3 of 1,606,746 alleles (0.00019%); highest among the groups gnomAD compares: Admixed American, 0.0034%; no homozygotes.

Submission:

Labcorp Genetics (formerly Invitae), Labcorp
Classification: Uncertain significance. Last evaluated: 2021-08-15. Review status: criteria provided, single submitter. Criteria: Invitae Variant Classification Sherloc (09022015). Collection method: clinical testing. Allele origin: germline.
Comment: In summary, the available evidence is currently insufficient to determine the role of this variant in disease. Therefore, it has been classified as a Variant of Uncertain Significance. Algorithms developed to predict the effect of missense changes on protein structure and function (SIFT, PolyPhen-2, Align-GVGD) all suggest that this variant is likely to be tolerated. This variant has not been reported in the literature in individuals affected with SAMD11-related conditions. This variant is present in population databases (rs376960675, ExAC 0.02%). This sequence change replaces alanine with glycine at codon 668 of the SAMD11 protein (p.Ala668Gly). The alanine residue is weakly conserved and there is a small physicochemical difference between alanine and glycine.

NM_001385641.1(SAMD11):c.2492C>G (p.Ala831Gly)

Gene: SAMD11 (sterile alpha motif domain containing 11; plus strand). Cytogenetic location: 1p36.33.
Variant type: single nucleotide variant.
Coding change: c.2492C>G on transcript NM_001385641.1 (MANE Select); coding-DNA position 2492, C replaced by G.
Protein change: p.Ala831Gly; replaces alanine 831 with glycine.
Molecular consequence: missense variant.
Genome position (GRCh38, 1-based): chr1:944,110, C>G. VCF-style: chr1-944110-C-G. GRCh37 (hg19) VCF-style: chr1-879490-C-G.
Other names: c.2495C>G, p.Ala832Gly (NM_001385640.1); c.2003C>G, p.Ala668Gly (NM_152486.4); short protein forms A668G, A832G, A831G.
Identifiers: ClinVar variation 1522051 (VCV001522051.4), dbSNP rs376960675, ClinGen allele CA503443.